The following is an entry in ClinVar:

ClinVar aggregate classification (germline): Uncertain significance (1 of 4 stars; one submission).

Conditions:
Early Myoclonic Encephalopathy. Identifiers: MedGen C0270855.

Submission:

Labcorp Genetics (formerly Invitae), Labcorp
Classification: Uncertain significance for Early Myoclonic Encephalopathy. Last evaluated: 2023-03-03. Review status: criteria provided, single submitter. Criteria: Invitae Variant Classification Sherloc (09022015). Collection method: clinical testing. Allele origin: germline.
Comment: This sequence change falls in intron 5 of the KCND2 gene. It does not directly change the encoded amino acid sequence of the KCND2 protein. It affects a nucleotide within the consensus splice site. This variant is not present in population databases (gnomAD no frequency). This variant has not been reported in the literature in individuals affected with KCND2-related conditions. ClinVar contains an entry for this variant (Variation ID: 2034570). Variants that disrupt the consensus splice site are a relatively common cause of aberrant splicing (PMID: 17576681, 9536098). Algorithms developed to predict the effect of sequence changes on RNA splicing suggest that this variant may disrupt the consensus splice site. In summary, the available evidence is currently insufficient to determine the role of this variant in disease. Therefore, it has been classified as a Variant of Uncertain Significance.

Literature cited by the submitters: PubMed 17576681; PubMed 9536098.

NM_012281.3(KCND2):c.1715+1G>C

Gene: KCND2 (potassium voltage-gated channel subfamily D member 2; plus strand). Cytogenetic location: 7q31.31.
Variant type: single nucleotide variant.
Coding change: c.1715+1G>C on transcript NM_012281.3 (MANE Select); the canonical splice donor site of the intron after coding-DNA position 1715, G replaced by C.
Molecular consequence: splice donor variant.
Genome position (GRCh38, 1-based): chr7:120,746,028, G>C. VCF-style: chr7-120746028-G-C. GRCh37 (hg19) VCF-style: chr7-120386082-G-C.
Identifiers: ClinVar variation 2034570 (VCV002034570.4), dbSNP rs2485217178, ClinGen allele CA369136153.